The following is an entry in ClinVar:

NM_014652.4(IPO13):c.826G>A (p.Val276Met)

Gene: IPO13 (importin 13; plus strand). Cytogenetic location: 1p34.1.
Variant type: single nucleotide variant.
Coding change: c.826G>A on transcript NM_014652.4 (MANE Select); coding-DNA position 826, G replaced by A.
Protein change: p.Val276Met; replaces valine 276 with methionine.
Molecular consequence: missense variant.
Genome position (GRCh38, 1-based): chr1:43,956,324, G>A. VCF-style: chr1-43956324-G-A. GRCh37 (hg19) VCF-style: chr1-44421996-G-A.
Other names: short protein forms V276M.
Identifiers: ClinVar variation 3055120 (VCV003055120.3), dbSNP rs374570719, ClinGen allele CA815207.
Genomic context (GRCh38, chr1:43,956,324, plus strand): 5'-GCCAGTGTGGGGTTGAGCAGAGAGCTCTGATGGATTTTCTCACCTCATGCCTCTAGGTAC[G>A]TGAACACACTCCTGAAACTCATCCCGCTGGTGCTGGGTCTGCAGGAACAACTGCGGCAGG-3'
Protein context (NP_055467.3, residues 266-286): AISQPDAQRY[Val276Met]NTLLKLIPLV

ClinVar aggregate classification (germline): Uncertain significance. Review status: criteria provided, single submitter (1 of 4 stars). 2 submissions from 2 submitters: Uncertain significance (1). 1 of the submissions does not count toward it. Last evaluated 2023-10-02.

Conditions:
IPO13-related disorder. Also called: IPO13-related condition.

Allele frequency attached by ClinVar (database versions not stated): ESP Exome Variant Server 0.00015.
gnomAD v4.1: 40 of 1,614,038 alleles (0.0025%); highest among the groups gnomAD compares: African/African-American, 0.043%; no homozygotes.

Submissions (2):

Ambry Genetics
Classification: Uncertain significance. Last evaluated: 2023-10-02. Review status: criteria provided, single submitter. Criteria: Ambry Variant Classification Scheme 2023. Collection method: clinical testing. Allele origin: germline.

PreventionGenetics, part of Exact Sciences
Classification: Uncertain significance for IPO13-related condition. Last evaluated: 2023-12-21. Review status: no assertion criteria provided. Collection method: clinical testing. Allele origin: germline. Not counted in ClinVar's aggregate classification.
Comment: The IPO13 c.826G>A variant is predicted to result in the amino acid substitution p.Val276Met. To our knowledge, this variant has not been reported in the literature. This variant is reported in 0.052% of alleles in individuals of African descent in gnomAD. At this time, the clinical significance of this variant is uncertain due to the absence of conclusive functional and genetic evidence.